The following is an entry in ClinVar:

ClinVar aggregate classification (germline): Likely benign (1 of 4 stars; one submission).

Allele frequency attached by ClinVar (database versions not stated): gnomAD 0.00009; gnomAD exomes 0.00011; TOPMed 0.00015; ExAC 0.00018; 1000 Genomes Project 0.00020; 1000 Genomes Project 30x 0.00031.
gnomAD v4.1: 184 of 1,612,686 alleles (0.011%); highest among the groups gnomAD compares: Middle Eastern, 0.23%; 1 homozygote.

Submission:

CeGaT Center for Human Genetics Tuebingen
Classification: Likely benign. Last evaluated: 2022-11-01. Review status: criteria provided, single submitter. Criteria: CeGaT Center For Human Genetics Tuebingen Variant Classification Criteria Version 2. Collection method: clinical testing. Allele origin: germline. Affected: yes. Observed: 1 variant allele.
Comment: CLTCL1: BP4

NM_007098.4(CLTCL1):c.4434+7G>A

Gene: CLTCL1 (clathrin heavy chain like 1; minus strand). Cytogenetic location: 22q11.21.
Variant type: single nucleotide variant.
Coding change: c.4434+7G>A on transcript NM_007098.4 (MANE Select); 7 bases into the intron after coding-DNA position 4434, G replaced by A.
Molecular consequence: intron variant.
Genome position (GRCh38, 1-based): chr22:19,187,974, C>T on the plus strand (G>A on the coding strand, the complement: CLTCL1 is on the minus strand). VCF-style: chr22-19187974-C-T. GRCh37 (hg19) VCF-style: chr22-19175486-C-T.
Other names: c.4434+7G>A (NM_001835.4).
Identifiers: ClinVar variation 2652856 (VCV002652856.24), dbSNP rs551813305, ClinGen allele CA10097753.